The following is an entry in ClinVar:

NM_019109.5(ALG1):c.477T>C (p.Tyr159=)

Gene: ALG1 (ALG1 chitobiosyldiphosphodolichol beta-mannosyltransferase; plus strand). Cytogenetic location: 16p13.3.
Variant type: single nucleotide variant.
Coding change: c.477T>C on transcript NM_019109.5 (MANE Select); coding-DNA position 477, T replaced by C.
Protein change: p.Tyr159=; no amino-acid change (tyrosine 159 retained).
Molecular consequence: synonymous variant.
Genome position (GRCh38, 1-based): chr16:5,075,474, T>C. VCF-style: chr16-5075474-T-C. GRCh37 (hg19) VCF-style: chr16-5125475-T-C.
Other names: c.144T>C, p.Tyr48= (NM_001330504.2); c.477T>C (NM_019109.4).
Identifiers: ClinVar variation 1585939 (VCV001585939.10), dbSNP rs145487895, ClinGen allele CA7889838.

ClinVar aggregate classification (germline): Likely benign. Review status: criteria provided, multiple submitters, no conflicts (2 of 4 stars). 3 submissions from 3 submitters: Likely benign (3). Last evaluated 2026-02-01.

Conditions:
ALG1-related disorder. Also called: ALG1-related condition.
ALG1-congenital disorder of glycosylation. Also called: CONGENITAL DISORDER OF GLYCOSYLATION, TYPE Ik; CDG Ik; ALG1-CDG. Identifiers: Orphanet 79327, MedGen C2931005, MONDO:0012052, OMIM 608540.

Allele frequency attached by ClinVar (database versions not stated): gnomAD exomes 0.00001 and 0.00003; gnomAD 0.00016 and 0.00014; ESP Exome Variant Server 0.00023; ExAC 0.00007; TOPMed 0.00015.
gnomAD v4.1: 38 of 1,614,086 alleles (0.0024%); highest among the groups gnomAD compares: African/African-American, 0.047%; no homozygotes.

Submissions (3):

Labcorp Genetics (formerly Invitae), Labcorp
Classification: Likely benign for ALG1-congenital disorder of glycosylation. Last evaluated: 2026-02-01. Review status: criteria provided, single submitter. Criteria: Invitae Variant Classification Sherloc (09022015). Collection method: clinical testing. Allele origin: germline.

PreventionGenetics, part of Exact Sciences
Classification: Likely benign for ALG1-related condition. Last evaluated: 2025-07-17. Review status: criteria provided, single submitter. Criteria: ACMG Guidelines, 2015. Collection method: clinical testing. Allele origin: germline.
Comment: This variant is classified as likely benign based on ACMG/AMP sequence variant interpretation guidelines (Richards et al. 2015 PMID: 25741868, with internal and published modifications).

Fulgent Genetics
Classification: Likely benign for ALG1-congenital disorder of glycosylation. Last evaluated: 2021-11-06. Review status: criteria provided, single submitter. Criteria: ACMG Guidelines, 2015. Collection method: clinical testing. Allele origin: unknown.